The following is an entry in ClinVar:

ClinVar aggregate classification (germline): Uncertain significance. Review status: criteria provided, multiple submitters, no conflicts (2 of 4 stars). 2 submissions from 2 submitters: Uncertain significance (2). Last evaluated 2026-01-20.

Conditions:
Inborn genetic diseases. Identifiers: MedGen C0950123, MeSH D030342.

gnomAD v4.1: 36 of 1,614,112 alleles (0.0022%); highest among the groups gnomAD compares: Non-Finnish European, 0.0027%; no homozygotes.

Submissions (2):

Ambry Genetics
Classification: Uncertain significance for Inborn genetic diseases. Last evaluated: 2026-01-20. Review status: criteria provided, single submitter. Criteria: Ambry Variant Classification Scheme 2023. Collection method: clinical testing. Allele origin: germline.

Labcorp Genetics (formerly Invitae), Labcorp
Classification: Uncertain significance. Last evaluated: 2025-07-21. Review status: criteria provided, single submitter. Criteria: Invitae Variant Classification Sherloc (09022015). Collection method: clinical testing. Allele origin: germline.
Comment: This sequence change replaces asparagine, which is neutral and polar, with lysine, which is basic and polar, at codon 543 of the DSG1 protein (p.Asn543Lys). This variant is not present in population databases (gnomAD no frequency). This variant has not been reported in the literature in individuals affected with DSG1-related conditions. ClinVar contains an entry for this variant (Variation ID: 3712763). Invitae Evidence Modeling of protein sequence and biophysical properties (such as structural, functional, and spatial information, amino acid conservation, physicochemical variation, residue mobility, and thermodynamic stability) indicates that this missense variant is not expected to disrupt DSG1 protein function with a negative predictive value of 80%. In summary, the available evidence is currently insufficient to determine the role of this variant in disease. Therefore, it has been classified as a Variant of Uncertain Significance.

NM_001942.4(DSG1):c.1629T>G (p.Asn543Lys)

Gene: DSG1 (desmoglein 1; plus strand). Cytogenetic location: 18q12.1.
Variant type: single nucleotide variant.
Coding change: c.1629T>G on transcript NM_001942.4 (MANE Select); coding-DNA position 1629, T replaced by G.
Protein change: p.Asn543Lys; replaces asparagine 543 with lysine.
Molecular consequence: missense variant.
Genome position (GRCh38, 1-based): chr18:31,339,967, T>G. VCF-style: chr18-31339967-T-G. GRCh37 (hg19) VCF-style: chr18-28919930-T-G.
Other names: c.1629T>G (NM_001942.2); short protein forms N543K.
Identifiers: ClinVar variation 3712763 (VCV003712763.3).
Genomic context (GRCh38, chr18:31,339,967, plus strand): 5'-CTCTAGCCAAGTATATTCTTCTGAACCCGGAAACGGAGCCAAAGATTTGTTATCAGACAA[T>G]GTACATTTTGGTCCTGCTGGCATTGGACTCCTCATCATGGGATTCTTGGTCTTAGGATGT-3'
Protein context (NP_001933.2, residues 533-553): GNGAKDLLSD[Asn543Lys]VHFGPAGIGL